The following is an entry in ClinVar:

NM_170665.4(ATP2A2):c.2104G>A (p.Asp702Asn)

Gene: ATP2A2 (ATPase sarcoplasmic/endoplasmic reticulum Ca2+ transporting 2; plus strand). Cytogenetic location: 12q24.11.
Variant type: single nucleotide variant.
Coding change: c.2104G>A on transcript NM_170665.4 (MANE Select); coding-DNA position 2104, G replaced by A.
Protein change: p.Asp702Asn; replaces aspartic acid 702 with asparagine.
Molecular consequence: missense variant.
Genome position (GRCh38, 1-based): chr12:110,342,234, G>A. VCF-style: chr12-110342234-G-A. GRCh37 (hg19) VCF-style: chr12-110780039-G-A.
Other names: c.1999G>A, p.Asp667Asn (NM_001413013.1); c.2104G>A, p.Asp702Asn (NM_001413014.1, NM_001681.4); c.1729G>A, p.Asp577Asn (NM_001413015.1); c.2104G>A (NM_170665.3); short protein forms D702N, D667N, D577N.
Identifiers: ClinVar variation 2735974 (VCV002735974.5), dbSNP rs2548563282, ClinGen allele CA386675402.
Genomic context (GRCh38, chr12:110,342,234, plus strand): 5'-GGGTATGAATGTGGCATGCCAGTTGGCTGACCCAACCATTGCTTTCCCTTTCAGACTGGC[G>A]ATGGCGTGAACGATGCTCCTGCTCTGAAGAAAGCCGAGATTGGCATTGCTATGGGCTCTG-3'
Protein context (NP_733765.1, residues 692-712): SFDEITAMTG[Asp702Asn]GVNDAPALKK

ClinVar aggregate classification (germline): Pathogenic. Review status: criteria provided, multiple submitters, no conflicts (2 of 4 stars). 3 submissions from 3 submitters: Pathogenic (3). Last evaluated 2025-11-06.

Conditions:
Keratosis follicularis (DAR). Also called: Darier disease; Darier's disease. Identifiers: Orphanet 218, MedGen C0022595, MONDO:0007417, OMIM 124200.

Submissions (3):

Labcorp Genetics (formerly Invitae), Labcorp
Classification: Pathogenic. Last evaluated: 2025-11-06. Review status: criteria provided, single submitter. Criteria: Invitae Variant Classification Sherloc (09022015). Collection method: clinical testing. Allele origin: germline.
Comment: This sequence change replaces aspartic acid, which is acidic and polar, with asparagine, which is neutral and polar, at codon 702 of the ATP2A2 protein (p.Asp702Asn). This variant is not present in population databases (gnomAD no frequency). This missense change has been observed in individuals with clinical features of Darier disease (PMID: 10441323, 15186327, 19528419; internal data). ClinVar contains an entry for this variant (Variation ID: 2735974). Invitae Evidence Modeling of protein sequence and biophysical properties (such as structural, functional, and spatial information, amino acid conservation, physicochemical variation, residue mobility, and thermodynamic stability) indicates that this missense variant is expected to disrupt ATP2A2 protein function with a positive predictive value of 80%. Experimental studies have shown that this missense change affects ATP2A2 function (PMID: 12975374, 16766529). For these reasons, this variant has been classified as Pathogenic.

GeneDx
Classification: Pathogenic. Last evaluated: 2024-12-12. Review status: criteria provided, single submitter. Criteria: GeneDx Variant Classification Process June 2021. Collection method: clinical testing. Allele origin: germline. Affected: yes.
Comment: Published functional studies demonstrate severe loss of enzyme activity and impaired protein function (PMID: 12975374); Not observed at significant frequency in large population cohorts (gnomAD); In silico analysis supports that this missense variant has a deleterious effect on protein structure/function; Missense variants in this gene are a common cause of disease and they are underrepresented in the general population; This variant is associated with the following publications: (PMID: 12072062, 23356892, 28035777, 26471493, 15186327, 19528419, 30345710, 1831454, 16766529, 12975374, 10441323)

Clinical Genomics Laboratory, Washington University in St. Louis
Classification: Pathogenic for Keratosis follicularis. Last evaluated: 2024-07-12. Review status: criteria provided, single submitter. Criteria: Leon-Quintero et al. (Clin Genet. 2025). Collection method: clinical testing. Allele origin: somatic. Affected: yes.
Comment: An ATP2A2 c.2104G>A (p.Asp702Asn) variant was identified at an allelic fraction consistent with somatic origin. This variant has been reported as germline in multiple individuals affected with Darier disease (Gordon-Smith K et al., PMID: 30345710; Bchetnia M et al., PMID: 19528419; Miyauchi Y et al., PMID: 16766529; Dodiuk-Gad R et al., PMID: 26471493; Dode L et al., PMID: 12975374; Rácz E et al., PMID: 15186327; Green E et al., PMID: 23356892). This variant has been reported in the ClinVar database as a pathogenic germline variant by one submitter (ClinVar ID: 2735974). The ATP2A2 c.2104G>A (p.Asp702Asn) variant is absent from the general population database (gnomAD v4.1.0), indicating it is not a common variant. This variant resides within a highly conserved region of the hinge domain of ATP2A2 that is implicated in the binding and transfer of phosphate to the protein and in the transport-associated conformational changes of the phosphorylation site (Vilsen B et al., PMID: 1831454). Computational predictors indicate that the variant is damaging, evidence that correlates with impact on ATP2A2 function. In support of this prediction, functional studies show that the ATP2A2 c.2104G>A (p.Asp702Asn) variant reduced SERCA2 enzyme activity and impaired calcium transport into the endoplasmic reticulum in cell lines, indicating that this variant impacts protein function (Miyauchi Y et al., PMID: 16766529; Dode L et al., PMID: 12975374). Based on available information and an internally developed protocol informed by the ACMG/AMP guidelines for variant interpretation (Leon-Quintero FZ et al., PMID: 39434542), the ATP2A2 c.2104G>A (p.Asp702Asn) variant is classified as pathogenic.

Literature cited by the submitters: PubMed 10441323 (cited by Labcorp Genetics (formerly Invitae), Labcorp); PubMed 15186327 (cited by Labcorp Genetics (formerly Invitae), Labcorp); PubMed 19528419 (cited by Labcorp Genetics (formerly Invitae), Labcorp); PubMed 12975374 (cited by Labcorp Genetics (formerly Invitae), Labcorp); PubMed 16766529 (cited by Labcorp Genetics (formerly Invitae), Labcorp).